The following is an entry in ClinVar:

ClinVar aggregate classification (germline): Pathogenic. Review status: criteria provided, single submitter (1 of 4 stars). 2 submissions from 2 submitters: Pathogenic (1). 1 of the submissions does not count toward it. Last evaluated 2022-06-23.

Conditions:
Hereditary cancer-predisposing syndrome. Also called: Neoplastic Syndromes, Hereditary; Hereditary Cancer Syndrome; Hereditary neoplastic syndrome; Tumor predisposition. Identifiers: Orphanet 140162, MedGen C0027672, MeSH D009386, MONDO:0015356.
Bloom syndrome (BLM). Also called: Bloom-Torre-Machacek syndrome. Identifiers: Orphanet 125, MedGen C0005859, MONDO:0008876, OMIM 210900.

Submissions (2):

Ambry Genetics
Classification: Pathogenic for Hereditary cancer-predisposing syndrome. Last evaluated: 2022-06-23. Review status: criteria provided, single submitter. Criteria: Ambry Variant Classification Scheme 2023. Collection method: clinical testing. Allele origin: germline.
Comment: The c.942delC pathogenic mutation, located in coding exon 3 of the BLM gene, results from a deletion of one nucleotide at nucleotide position 942, causing a translational frameshift with a predicted alternate stop codon (p.S315Lfs*8). This variant is considered to be rare based on population cohorts in the Genome Aggregation Database (gnomAD). This alteration is expected to result in loss of function by premature protein truncation or nonsense-mediated mRNA decay. As such, this alteration is interpreted as a disease-causing mutation.

Counsyl
Classification: Likely pathogenic for Bloom syndrome. Last evaluated: 2018-05-10. Review status: no assertion criteria provided. Collection method: clinical testing. Allele origin: unknown. Not counted in ClinVar's aggregate classification.

NM_000057.4(BLM):c.942del (p.Ser315fs)

Gene: BLM (BLM RecQ like helicase; plus strand). Cytogenetic location: 15q26.1.
Variant type: Deletion.
Coding change: c.942del on transcript NM_000057.4 (MANE Select); coding-DNA position 942, one base deleted (C; older notation c.942delC).
Protein change: p.Ser315fs; shifts the reading frame from serine 315.
Molecular consequence: frameshift variant. On other transcripts: 5 prime UTR variant (1).
Genome position (GRCh38, 1-based): chr15:90,751,929, C deleted; the last of 2 consecutive C bases (chr15:90,751,928-90,751,929); deleting either gives the same sequence. VCF-style (leftmost placement, unchanged base first): chr15-90751927-TC-T. GRCh37 (hg19) VCF-style: chr15-91295157-TC-T.
Other names: c.942del, p.Ser315fs (NM_001287246.2, NM_001287247.2); c.-350del (NM_001287248.2); short protein forms S315fs.
Identifiers: ClinVar variation 558268 (VCV000558268.4), dbSNP rs1555418701, ClinGen allele CA658824607.